The following is an entry in ClinVar:

NM_000191.3(HMGCL):c.121C>T (p.Arg41Ter)

Gene: HMGCL (3-hydroxy-3-methylglutaryl-CoA lyase; minus strand). Cytogenetic location: 1p36.11.
Variant type: single nucleotide variant.
Coding change: c.121C>T on transcript NM_000191.3 (MANE Select); coding-DNA position 121, C replaced by T.
Protein change: p.Arg41Ter; replaces arginine 41 with a stop codon.
Molecular consequence: nonsense.
Genome position (GRCh38, 1-based): chr1:23,820,533, G>A on the plus strand (C>T on the coding strand, the complement: HMGCL is on the minus strand). VCF-style: chr1-23820533-G-A. GRCh37 (hg19) VCF-style: chr1-24147023-G-A.
Other names: c.121C>T, p.Arg41Ter (NM_001166059.2); short protein forms R41*.
Identifiers: ClinVar variation 553933 (VCV000553933.17), dbSNP rs770225915, ClinGen allele CA686198.
Genomic context (GRCh38, chr1:23,820,533, plus strand): 5'-TGAAAAAACTGTTTTTTTGGCTCATTTCCAACTTTACCTTTTCATTTTGTAGTCCATCTC[G>A]GGGACCAACTTCCACAATTTTCACCCGCTTTGGTAAAGTGCCCATAGATGAGGTGCTGAC-3'

ClinVar aggregate classification (germline): Pathogenic/Likely pathogenic. Review status: criteria provided, multiple submitters, no conflicts (2 of 4 stars). 8 submissions from 8 submitters: Pathogenic (5); Likely pathogenic (2). 1 of the submissions does not count toward it. Last evaluated 2025-09-16.

Conditions:
Long chain 3-hydroxyacyl-CoA dehydrogenase deficiency. Also called: LCHAD Deficiency; Deficiency of long-chain 3-hydroxyacyl-coenzyme A dehydrogenase. Identifiers: Orphanet 5, MedGen C3711645, MONDO:0012173, OMIM 609016.
Deficiency of hydroxymethylglutaryl-CoA lyase (HMGCLD). Also called: HMGCL DEFICIENCY; HYDROXYMETHYLGLUTARIC ACIDURIA; HMG-CoA LYASE DEFICIENCY; Defect in leucine metabolism; 3-hydroxy-3-methylglutaric aciduria. Identifiers: Orphanet 20, MedGen C1533587, MONDO:0009520, OMIM 246450.

Allele frequency attached by ClinVar (database versions not stated): gnomAD exomes below 0.00001 and 0.00001; gnomAD 0.00001; ExAC 0.00002; TOPMed 0.00002.
gnomAD v4.1: 12 of 1,613,520 alleles (0.00074%); highest among the groups gnomAD compares: Middle Eastern, 0.016%; no homozygotes.

Submissions (8):

Natera, Inc.
Classification: Pathogenic for Deficiency of long-chain 3-hydroxyacyl-coenzyme A dehydrogenase. Last evaluated: 2025-09-16. Review status: criteria provided, single submitter. Criteria: Natera Variant Classification Schema (03/2026). Collection method: clinical testing. Allele origin: germline.
Comment: The c.121C>T variant in HMGCL is a nonsense variant predicted to introduce a stop codon at amino acid 41. This variant is expected to result in nonsense mediated decay, truncation, or a dysfunctional protein product. This variant is rare in the general population with a frequency below the threshold expected for the associated phenotype(s). This variant has been observed in one or more individuals affected with the associated recessive disease, as either homozygous or compound heterozygous with a second variant (PMID: 38311559, 39519275). Given the available evidence, this variant is classified as Pathogenic.

Labcorp Genetics (formerly Invitae), Labcorp
Classification: Pathogenic for Deficiency of hydroxymethylglutaryl-CoA lyase. Last evaluated: 2024-04-03. Review status: criteria provided, single submitter. Criteria: Invitae Variant Classification Sherloc (09022015). Collection method: clinical testing. Allele origin: germline.
Comment: This sequence change creates a premature translational stop signal (p.Arg41*) in the HMGCL gene. It is expected to result in an absent or disrupted protein product. Loss-of-function variants in HMGCL are known to be pathogenic (PMID: 9817922, 17692550, 23465862). This variant is present in population databases (rs770225915, gnomAD 0.003%). This premature translational stop signal has been observed in individual(s) with HMG-CoA lyase deficiency (PMID: 9463337). ClinVar contains an entry for this variant (Variation ID: 553933). For these reasons, this variant has been classified as Pathogenic.

Baylor Genetics
Classification: Pathogenic for Deficiency of hydroxymethylglutaryl-CoA lyase. Last evaluated: 2023-11-21. Review status: criteria provided, single submitter. Criteria: ACMG Guidelines, 2015. Collection method: clinical testing. Allele origin: unknown.

Genome-Nilou Lab
Classification: Pathogenic for Deficiency of hydroxymethylglutaryl-CoA lyase. Last evaluated: 2023-04-11. Review status: criteria provided, single submitter. Criteria: ACMG Guidelines, 2015. Collection method: clinical testing. Allele origin: germline. Affected: no.

Women's Health and Genetics/Laboratory Corporation of America, LabCorp
Classification: Likely pathogenic for Deficiency of hydroxymethylglutaryl-CoA lyase. Last evaluated: 2022-03-26. Review status: criteria provided, single submitter. Criteria: LabCorp Variant Classification Summary - May 2015. Collection method: clinical testing. Allele origin: germline.
Comment: Variant summary: HMGCL c.121C>T (p.Arg41X) results in a premature termination codon, predicted to cause a truncation of the encoded protein or absence of the protein due to nonsense mediated decay, which are commonly known mechanisms for disease. Truncations downstream of this position have been classified as pathogenic by our laboratory. The variant allele was found at a frequency of 4e-06 in 251480 control chromosomes. c.121C>T has been reported in the literature without a second allele identified in at-least one individual affected with HMG-CoA Lyase Deficiency (example, Mitchell_1998 cited in Menao_2009). To our knowledge, no experimental evidence demonstrating an impact on protein function has been reported. Three clinical diagnostic laboratories have submitted clinical-significance assessments for this variant to ClinVar after 2014 without evidence for independent evaluation. All laboratories classified the variant as likely pathogenic. Based on the evidence outlined above, the variant was classified as likely pathogenic.

Fulgent Genetics
Classification: Likely pathogenic for Deficiency of hydroxymethylglutaryl-CoA lyase. Last evaluated: 2022-01-18. Review status: criteria provided, single submitter. Criteria: ACMG Guidelines, 2015. Collection method: clinical testing. Allele origin: unknown.

Victorian Clinical Genetics Services, Murdoch Childrens Research Institute
Classification: Pathogenic for Deficiency of hydroxymethylglutaryl-CoA lyase. Last evaluated: 2020-05-21. Review status: criteria provided, single submitter. Criteria: ACMG Guidelines, 2015. Collection method: clinical testing. Allele origin: germline. Inheritance: Autosomal recessive inheritance. Affected: yes.
Comment: A homozygous nonsense variant was identified, NM_000191.2(HMGCL):c.121C>T in exon 2 of 9 of the HMGCL gene. This nonsense variant is predicted to create a change of an arginine to a stop at amino acid position 41 of the protein; NP_000182.2(HMGCL):p.(Arg41*), resulting in the loss of normal protein function through nonsense-mediated decay (NMD). The variant is present in the gnomAD population database at a frequency of 0.0004% (1 heterozygote, 0 homozygotes) and has been previously identified in patients with HMG-CoA lyase deficiency (ClinVar, Mitchell G. et al. (1998)). Other variants predicted to cause NMD have been reported as pathogenic in individuals with HMG-CoA lyase deficiency (ClinVar). Based on information available at the time of curation, this variant has been classified as PATHOGENIC. Legend: (P) - Pathogenic, (N) - Neutral, (B) - Benign

Counsyl
Classification: Likely pathogenic for Deficiency of hydroxymethylglutaryl-CoA lyase. Last evaluated: 2017-09-20. Review status: no assertion criteria provided. Collection method: clinical testing. Allele origin: unknown. Not counted in ClinVar's aggregate classification.

Literature cited by the submitters: PubMed 38311559 (cited by Natera, Inc.); PubMed 39519275 (cited by Natera, Inc.); PubMed 9817922 (cited by Labcorp Genetics (formerly Invitae), Labcorp); PubMed 17692550 (cited by Labcorp Genetics (formerly Invitae), Labcorp); PubMed 23465862 (cited by Labcorp Genetics (formerly Invitae), Labcorp); PubMed 9463337 (cited by 3 submitters); PubMed 19177531 (cited by Women's Health and Genetics/Laboratory Corporation of America, LabCorp).